The following is an entry in ClinVar:

NM_019892.6(INPP5E):c.1275C>G (p.Phe425Leu)

Gene: INPP5E (inositol polyphosphate-5-phosphatase E; minus strand). Cytogenetic location: 9q34.3.
Variant type: single nucleotide variant.
Coding change: c.1275C>G on transcript NM_019892.6 (MANE Select); coding-DNA position 1275, C replaced by G.
Protein change: p.Phe425Leu; replaces phenylalanine 425 with leucine.
Molecular consequence: missense variant.
Genome position (GRCh38, 1-based): chr9:136,432,960, G>C on the plus strand (C>G on the coding strand, the complement: INPP5E is on the minus strand). VCF-style: chr9-136432960-G-C. GRCh37 (hg19) VCF-style: chr9-139327412-G-C.
Other names: c.1275C>G, p.Phe425Leu (NM_001318502.2); short protein forms F425L.
Identifiers: ClinVar variation 958797 (VCV000958797.11), dbSNP rs780525765, ClinGen allele CA375563757.

ClinVar aggregate classification (germline): Uncertain significance. Review status: criteria provided, multiple submitters, no conflicts (2 of 4 stars). 2 submissions from 2 submitters: Uncertain significance (2). Last evaluated 2019-07-31.

Conditions:
Joubert syndrome. Also called: Familial aplasia of the vermis; JOUBERT-BOLTSHAUSER SYNDROME. Identifiers: Orphanet 475, MedGen C5979921, MONDO:0018772.

Allele frequency attached by ClinVar (database versions not stated): TOPMed 0.00002.

Submissions (2):

Labcorp Genetics (formerly Invitae), Labcorp
Classification: Uncertain significance for Joubert syndrome. Last evaluated: 2019-07-31. Review status: criteria provided, single submitter. Criteria: Invitae Variant Classification Sherloc (09022015). Collection method: clinical testing. Allele origin: germline.
Comment: This sequence change replaces phenylalanine with leucine at codon 425 of the INPP5E protein (p.Phe425Leu). The phenylalanine residue is highly conserved and there is a small physicochemical difference between phenylalanine and leucine. This variant is not present in population databases (ExAC no frequency). This variant has not been reported in the literature in individuals with INPP5E-related conditions. Algorithms developed to predict the effect of missense changes on protein structure and function are either unavailable or do not agree on the potential impact of this missense change (SIFT: "Tolerated"; PolyPhen-2: "Possibly Damaging"; Align-GVGD: "Class C0"). In summary, the available evidence is currently insufficient to determine the role of this variant in disease. Therefore, it has been classified as a Variant of Uncertain Significance.

Blueprint Genetics
Classification: Uncertain significance. Last evaluated: 2017-07-21. Review status: criteria provided, single submitter. Criteria: ACMG Guidelines, 2015. Collection method: clinical testing. Allele origin: germline.